The following is an entry in ClinVar:

NM_001283009.2(RTEL1):c.1071C>G (p.Ile357Met)

Genes: RTEL1 (regulator of telomere elongation helicase 1; plus strand), RTEL1-TNFRSF6B (RTEL1-TNFRSF6B readthrough (NMD candidate); plus strand). Cytogenetic location: 20q13.33.
Variant type: single nucleotide variant.
Coding change: c.1071C>G on transcript NM_001283009.2 (MANE Select); coding-DNA position 1071, C replaced by G.
Protein change: p.Ile357Met; replaces isoleucine 357 with methionine.
Molecular consequence: missense variant. On other transcripts: non-coding transcript variant (1).
Genome position (GRCh38, 1-based): chr20:63,679,882, C>G. VCF-style: chr20-63679882-C-G. GRCh37 (hg19) VCF-style: chr20-62311235-C-G.
Other names: c.402C>G, p.Ile134Met (NM_001283010.1); c.1071C>G, p.Ile357Met (NM_016434.4); c.1143C>G, p.Ile381Met (NM_032957.5); short protein forms I357M, I381M, I134M.
Identifiers: ClinVar variation 1920983 (VCV001920983.5), dbSNP rs2090446936, ClinGen allele CA409673839.
Genomic context (GRCh38, chr20:63,679,882, plus strand): 5'-TCGAGCCTGCCTTCTTCTCCTCGGCAGCTACATCTTTGAGCTGTTTGCTGAAGCCCAGAT[C>G]ACGTTTCAGACCAAGGGCTGCATCCTGGACTCGCTGGACCAGATCATCCAGCACCTGGCA-3'
Protein context (NP_001269938.1, residues 347-367): YIFELFAEAQ[Ile357Met]TFQTKGCILD

ClinVar aggregate classification (germline): Uncertain significance (1 of 4 stars; one submission).

Conditions:
Dyskeratosis congenita, autosomal recessive 5 (DKCB5). Identifiers: MedGen C3554656, MONDO:0014076, OMIM 615190.
Pulmonary fibrosis and/or bone marrow failure, Telomere-related, 3. Also called: PULMONARY FIBROSIS AND/OR BONE MARROW FAILURE SYNDROME, TELOMERE-RELATED, 3. Identifiers: Orphanet 2032, MedGen C4225346, MONDO:0014613, OMIM 616373.

Submission:

Labcorp Genetics (formerly Invitae), Labcorp
Classification: Uncertain significance for Dyskeratosis congenita, autosomal recessive 5; Pulmonary fibrosis and/or bone marrow failure, Telomere-related, 3. Last evaluated: 2022-06-11. Review status: criteria provided, single submitter. Criteria: Invitae Variant Classification Sherloc (09022015). Collection method: clinical testing. Allele origin: germline.
Comment: This variant has not been reported in the literature in individuals affected with RTEL1-related conditions. In summary, the available evidence is currently insufficient to determine the role of this variant in disease. Therefore, it has been classified as a Variant of Uncertain Significance. Algorithms developed to predict the effect of missense changes on protein structure and function are either unavailable or do not agree on the potential impact of this missense change (SIFT: "Deleterious"; PolyPhen-2: "Benign"; Align-GVGD: "Class C0"). This variant is not present in population databases (gnomAD no frequency). This sequence change replaces isoleucine, which is neutral and non-polar, with methionine, which is neutral and non-polar, at codon 357 of the RTEL1 protein (p.Ile357Met).